The following is an entry in ClinVar:

ClinVar aggregate classification (germline): Benign/Likely benign. Review status: criteria provided, multiple submitters, no conflicts (2 of 4 stars). 10 submissions from 10 submitters: Benign (3); Likely benign (7). Last evaluated 2026-01-20.

Conditions:
TSC2-related disorder. Also called: TSC2-Related Disorders; TSC2-related condition.
Hereditary cancer-predisposing syndrome. Also called: Tumor predisposition; Hereditary neoplastic syndrome; Hereditary Cancer Syndrome; Neoplastic Syndromes, Hereditary. Identifiers: Orphanet 140162, MedGen C0027672, MeSH D009386, MONDO:0015356.
Tuberous sclerosis syndrome (TSC). Also called: Tuberous Sclerosis Complex; Tuberous sclerosis. Identifiers: Orphanet 805, MedGen C0041341, MONDO:0001734.
Tuberous sclerosis 2 (TSC2). Identifiers: Orphanet 805, MedGen C1860707, MONDO:0013199, OMIM 613254.

Allele frequency attached by ClinVar (database versions not stated): gnomAD exomes 0.00002 and 0.00005; ExAC 0.00003; gnomAD 0.00005; TOPMed 0.00007; ESP Exome Variant Server 0.00008.
gnomAD v4.1: 39 of 1,611,636 alleles (0.0024%); highest among the groups gnomAD compares: South Asian, 0.012%; 1 homozygote.

Submissions (10):

Labcorp Genetics (formerly Invitae), Labcorp
Classification: Benign for Tuberous sclerosis 2. Last evaluated: 2026-01-20. Review status: criteria provided, single submitter. Criteria: Invitae Variant Classification Sherloc (09022015). Collection method: clinical testing. Allele origin: germline.

PreventionGenetics, part of Exact Sciences
Classification: Likely benign for TSC2-related condition. Last evaluated: 2026-01-09. Review status: criteria provided, single submitter. Criteria: ACMG Guidelines, 2015. Collection method: clinical testing. Allele origin: germline.
Comment: This variant is classified as likely benign based on ACMG/AMP sequence variant interpretation guidelines (Richards et al. 2015 PMID: 25741868, with internal and published modifications).

Myriad Genetics, Inc.
Classification: Benign for Tuberous sclerosis 2. Last evaluated: 2025-05-08. Review status: criteria provided, single submitter. Criteria: Myriad Autosomal Dominant, Autosomal Recessive and X-Linked Classification Criteria (2023). Collection method: clinical testing. Allele origin: unknown.
Comment: This variant is considered benign. This variant is a silent/synonymous amino acid change and it is not expected to impact splicing.

CeGaT Center for Human Genetics Tuebingen
Classification: Likely benign. Last evaluated: 2024-01-01. Review status: criteria provided, single submitter. Criteria: CeGaT Center For Human Genetics Tuebingen Variant Classification Criteria Version 2. Collection method: clinical testing. Allele origin: germline. Affected: yes. Observed: 1 variant allele.
Comment: TSC2: BP4, BP7

All of Us Research Program, National Institutes of Health
Classification: Likely benign for Tuberous sclerosis syndrome. Last evaluated: 2023-12-13. Review status: criteria provided, single submitter. Criteria: ACMG Guidelines, 2015. Collection method: clinical testing. Allele origin: germline. Inheritance: Autosomal dominant inheritance. Observed: 5 variant alleles, 5 heterozygotes.
Comment: This study involves interpretation of variants in research participants for the purpose of population health screening. Participant phenotype was not available at the time of variant classification. Additional details can be found in publication PMID: 35346344, PMCID: PMC8962531

Color Diagnostics, LLC DBA Color Health
Classification: Likely benign for Tuberous sclerosis syndrome. Last evaluated: 2022-09-13. Review status: criteria provided, single submitter. Criteria: ACMG Guidelines, 2015. Collection method: clinical testing. Allele origin: germline.

Genome-Nilou Lab
Classification: Benign for Tuberous sclerosis 2. Last evaluated: 2021-11-07. Review status: criteria provided, single submitter. Criteria: ACMG Guidelines, 2015. Collection method: clinical testing. Allele origin: germline. Affected: no.

GeneDx
Classification: Likely benign. Last evaluated: 2021-05-10. Review status: criteria provided, single submitter. Criteria: GeneDx Variant Classification Process June 2021. Collection method: clinical testing. Allele origin: germline. Affected: yes.

Sema4
Classification: Likely benign for Hereditary cancer-predisposing syndrome. Last evaluated: 2021-02-19. Review status: criteria provided, single submitter. Criteria: Sema4 Curation Guidelines. Collection method: curation. Allele origin: germline.

Ambry Genetics
Classification: Likely benign for Hereditary cancer-predisposing syndrome. Last evaluated: 2019-04-22. Review status: criteria provided, single submitter. Criteria: Ambry Variant Classification Scheme 2023. Collection method: clinical testing. Allele origin: germline.

NM_000548.5(TSC2):c.669C>T (p.Asp223=)

Gene: TSC2 (TSC complex subunit 2; plus strand). Cytogenetic location: 16p13.3.
Variant type: single nucleotide variant.
Coding change: c.669C>T on transcript NM_000548.5 (MANE Select); coding-DNA position 669, C replaced by T.
Protein change: p.Asp223=; no amino-acid change (aspartic acid 223 retained).
Molecular consequence: synonymous variant.
Genome position (GRCh38, 1-based): chr16:2,056,664, C>T. VCF-style: chr16-2056664-C-T. GRCh37 (hg19) VCF-style: chr16-2106665-C-T.
Other names: c.669C>T, p.Asp223= (NM_001077183.3, NM_001114382.3, NM_001363528.2 and 3 more transcripts); c.558C>T, p.Asp186= (NM_001318827.2); c.522C>T, p.Asp174= (NM_001318829.2); c.69C>T, p.Asp23= (NM_001318831.2); c.702C>T, p.Asp234= (NM_001318832.2); c.669C>T (NM_000548.4).
Identifiers: ClinVar variation 413651 (VCV000413651.45), dbSNP rs35501344, ClinGen allele CA056094.